The following is an entry in ClinVar:

NM_005257.6(GATA6):c.533C>T (p.Ala178Val)

Gene: GATA6 (GATA binding protein 6; plus strand). Cytogenetic location: 18q11.2.
Variant type: single nucleotide variant.
Coding change: c.533C>T on transcript NM_005257.6 (MANE Select); coding-DNA position 533, C replaced by T.
Protein change: p.Ala178Val; replaces alanine 178 with valine.
Molecular consequence: missense variant.
Genome position (GRCh38, 1-based): chr18:22,171,677, C>T. VCF-style: chr18-22171677-C-T. GRCh37 (hg19) VCF-style: chr18-19751638-C-T.
Other names: short protein forms A178V.
Identifiers: ClinVar variation 30209 (VCV000030209.18), dbSNP rs387906815, ClinGen allele CA129025.

ClinVar aggregate classification (germline): Benign/Likely benign. Review status: criteria provided, multiple submitters, no conflicts (2 of 4 stars). 6 submissions from 6 submitters: Benign (1); Likely benign (4). 1 of the submissions does not count toward it. Last evaluated 2026-01-31.

Conditions:
GATA6-related disorder. Also called: GATA6-related condition.
Monogenic diabetes. Identifiers: Orphanet 183625, MedGen C3888631, MONDO:0015967.
Atrioventricular septal defect 5 (AVSD5). Identifiers: MedGen C3280939, MONDO:0013769, OMIM 614474.

Allele frequency attached by ClinVar (database versions not stated): 1000 Genomes Project 30x 0.00094; gnomAD exomes 0.00006 and 0.00018; ExAC 0.00041; 1000 Genomes Project 0.00080; gnomAD 0.00083 and 0.00087; TOPMed 0.00085.
gnomAD v4.1: 210 of 1,499,588 alleles (0.014%); highest among the groups gnomAD compares: African/African-American, 0.28%; 2 homozygotes.

Submissions (6):

Labcorp Genetics (formerly Invitae), Labcorp
Classification: Likely benign for Atrioventricular septal defect 5. Last evaluated: 2026-01-31. Review status: criteria provided, single submitter. Criteria: Invitae Variant Classification Sherloc (09022015). Collection method: clinical testing. Allele origin: germline.

PreventionGenetics, part of Exact Sciences
Classification: Likely benign for GATA6-related condition. Last evaluated: 2025-07-22. Review status: criteria provided, single submitter. Criteria: ACMG Guidelines, 2015. Collection method: clinical testing. Allele origin: germline.
Comment: This variant is classified as likely benign based on ACMG/AMP sequence variant interpretation guidelines (Richards et al. 2015 PMID: 25741868, with internal and published modifications).

Blueprint Genetics
Classification: Likely benign. Last evaluated: 2024-04-11. Review status: criteria provided, single submitter. Criteria: ACMG Guidelines, 2015. Collection method: clinical testing. Allele origin: germline.

GeneDx
Classification: Likely benign. Last evaluated: 2021-01-20. Review status: criteria provided, single submitter. Criteria: GeneDx Variant Classification Process June 2021. Collection method: clinical testing. Allele origin: germline. Affected: yes.
Comment: This variant is associated with the following publications: (PMID: 20581743)

Personalized Diabetes Medicine Program, University of Maryland School of Medicine
Classification: Benign for Monogenic diabetes. Last evaluated: 2018-01-26. Review status: criteria provided, single submitter. Criteria: ACMG Guidelines, 2015. Collection method: research. Allele origin: unknown. Observed: 1 variant allele, 1 heterozygote.
Comment: ACMG criteria: PP3 (6 predictors), BP4 (4 predictors), BS1 (1.01% in ExAC African pop.), BS2 (2 homozyotes and 34 hets for dominant condition)=benign

OMIM
Classification: Pathogenic for ATRIOVENTRICULAR SEPTAL DEFECT 5. Last evaluated: 2010-10-01. Review status: no assertion criteria provided. Collection method: literature only. Allele origin: germline. Not counted in ClinVar's aggregate classification.

Literature cited by the submitters: PubMed 20581743 (cited by OMIM).